The following is an entry in ClinVar:

NM_000350.3(ABCA4):c.4974C>G (p.Ser1658Arg)

Genes: ABCA4 (ATP binding cassette subfamily A member 4; minus strand), LOC126805793 (CDK7 strongly-dependent group 2 enhancer GRCh37_chr1:94486302-94487501; plus strand). Cytogenetic location: 1p22.1.
Variant type: single nucleotide variant.
Coding change: c.4974C>G on transcript NM_000350.3 (MANE Select); coding-DNA position 4974, C replaced by G.
Protein change: p.Ser1658Arg; replaces serine 1658 with arginine.
Molecular consequence: missense variant.
Genome position (GRCh38, 1-based): chr1:94,021,284, G>C on the plus strand (C>G on the coding strand, the complement: ABCA4 is on the minus strand). VCF-style: chr1-94021284-G-C. GRCh37 (hg19) VCF-style: chr1-94486840-G-C.
Other names: c.4752C>G, p.Ser1584Arg (NM_001425324.1); short protein forms S1658R, S1584R.
Identifiers: ClinVar variation 950804 (VCV000950804.10), dbSNP rs1659887933, ClinGen allele CA341282977.

ClinVar aggregate classification (germline): Uncertain significance (1 of 4 stars; one submission).

Submission:

Labcorp Genetics (formerly Invitae), Labcorp
Classification: Uncertain significance. Last evaluated: 2020-10-08. Review status: criteria provided, single submitter. Criteria: Invitae Variant Classification Sherloc (09022015). Collection method: clinical testing. Allele origin: germline.
Comment: This variant has been observed in an individual affected with Stargardt disease (PMID: 29975949). Algorithms developed to predict the effect of missense changes on protein structure and function (SIFT, PolyPhen-2, Align-GVGD) all suggest that this variant is likely to be disruptive, but these predictions have not been confirmed by published functional studies and their clinical significance is uncertain. In summary, the available evidence is currently insufficient to determine the role of this variant in disease. Therefore, it has been classified as a Variant of Uncertain Significance. This sequence change replaces serine with arginine at codon 1658 of the ABCA4 protein (p.Ser1658Arg). The serine residue is highly conserved and there is a moderate physicochemical difference between serine and arginine. This variant is not present in population databases (ExAC no frequency).

Literature cited by the submitters: PubMed 29975949.